The following is an entry in ClinVar:

ClinVar aggregate classification (germline): Uncertain significance. Review status: criteria provided, multiple submitters, no conflicts (2 of 4 stars). 2 submissions from 2 submitters: Uncertain significance (2). Last evaluated 2024-03-12.

Conditions:
Guttmacher syndrome. Identifiers: Orphanet 2957, MedGen C1867801, MONDO:0008301, OMIM 176305.
Hand-foot-genital syndrome (HFG). Also called: Hand-Foot-Uterus Syndrome; HFU syndrome; HFG syndrome. Identifiers: Orphanet 2438, MedGen C1841679, MONDO:0007698, OMIM 140000.

Submissions (2):

Fulgent Genetics
Classification: Uncertain significance for Hand-foot-genital syndrome; Guttmacher syndrome. Last evaluated: 2024-03-12. Review status: criteria provided, single submitter. Criteria: ACMG Guidelines, 2015. Collection method: clinical testing. Allele origin: germline.

Labcorp Genetics (formerly Invitae), Labcorp
Classification: Uncertain significance. Last evaluated: 2022-06-09. Review status: criteria provided, single submitter. Criteria: Invitae Variant Classification Sherloc (09022015). Collection method: clinical testing. Allele origin: germline.
Comment: This sequence change replaces leucine, which is neutral and non-polar, with valine, which is neutral and non-polar, at codon 169 of the HOXA13 protein (p.Leu169Val). Information on the frequency of this variant in the gnomAD database is not available, as this variant may be reported differently in the database. This variant has not been reported in the literature in individuals affected with HOXA13-related conditions. Experimental studies and prediction algorithms are not available or were not evaluated, and the functional significance of this variant is currently unknown. In summary, the available evidence is currently insufficient to determine the role of this variant in disease. Therefore, it has been classified as a Variant of Uncertain Significance.

NM_000522.5(HOXA13):c.504_505delinsAG (p.Leu169Val)

Genes: HOXA13 (homeobox A13; minus strand), LOC107126288 (NUP98-HOXA13 recombination region; plus strand). Cytogenetic location: 7p15.2.
Variant type: Indel.
Coding change: c.504_505delinsAG on transcript NM_000522.5 (MANE Select); coding-DNA positions 504 to 505, GC replaced by AG.
Protein change: p.Leu169Val; replaces leucine 169 with valine.
Molecular consequence: missense variant.
Genome position (GRCh38, 1-based): chr7:27,199,573-27,199,574, GC replaced by CT on the plus strand (GC replaced by AG on the coding strand, the reverse complement: HOXA13 is on the minus strand). VCF-style: chr7-27199573-GC-CT. GRCh37 (hg19) VCF-style: chr7-27239192-GC-CT.
Other names: short protein forms L169V.
Identifiers: ClinVar variation 2181854 (VCV002181854.5), dbSNP rs2534827375, ClinGen allele CA2580076988.